The following is an entry in ClinVar:

ClinVar aggregate classification (germline): Uncertain significance (1 of 4 stars; one submission).

Conditions:
Inborn genetic diseases. Identifiers: MedGen C0950123, MeSH D030342.

Submission:

Ambry Genetics
Classification: Uncertain significance for Inborn genetic diseases. Last evaluated: 2025-05-04. Review status: criteria provided, single submitter. Criteria: Ambry Variant Classification Scheme 2023. Collection method: clinical testing. Allele origin: germline.
Comment: The p.K667Q variant (also known as c.1999A>C), located in coding exon 1 of the SAMD9 gene, results from an A to C substitution at nucleotide position 1999. The lysine at codon 667 is replaced by glutamine, an amino acid with similar properties. This amino acid position is conserved. In addition, this alteration is predicted to be tolerated by in silico analysis. Based on the available evidence, the clinical significance of this variant remains unclear.

NM_017654.4(SAMD9):c.1999A>C (p.Lys667Gln)

Gene: SAMD9 (sterile alpha motif domain containing 9; minus strand). Cytogenetic location: 7q21.2.
Variant type: single nucleotide variant.
Coding change: c.1999A>C on transcript NM_017654.4 (MANE Select); coding-DNA position 1999, A replaced by C.
Protein change: p.Lys667Gln; replaces lysine 667 with glutamine.
Molecular consequence: missense variant.
Genome position (GRCh38, 1-based): chr7:93,104,099, T>G on the plus strand (A>C on the coding strand, the complement: SAMD9 is on the minus strand). VCF-style: chr7-93104099-T-G. GRCh37 (hg19) VCF-style: chr7-92733412-T-G.
Other names: c.1999A>C, p.Lys667Gln (NM_001193307.2); short protein forms K667Q.
Identifiers: ClinVar variation 3949604 (VCV003949604.1).